The following is an entry in ClinVar:

ClinVar aggregate classification (germline): Uncertain significance. Review status: criteria provided, multiple submitters, no conflicts (2 of 4 stars). 3 submissions from 3 submitters: Uncertain significance (3). Last evaluated 2025-08-23.

Conditions:
Immunodeficiency, common variable, 10. Also called: IMMUNODEFICIENCY, COMMON VARIABLE, WITH CENTRAL ADRENAL INSUFFICIENCY; DEFICIT IN ANTERIOR PITUITARY FUNCTION AND VARIABLE IMMUNODEFICIENCY. Identifiers: MedGen C3809991, MONDO:0014260, OMIM 615577.
Inborn genetic diseases. Identifiers: MedGen C0950123, MeSH D030342.

Allele frequency attached by ClinVar (database versions not stated): ExAC 0.00001; gnomAD 0.00002; TOPMed 0.00002.
gnomAD v4.1: 12 of 1,613,836 alleles (0.00074%); highest among the groups gnomAD compares: African/African-American, 0.0013%; no homozygotes.

Submissions (3):

Ambry Genetics
Classification: Uncertain significance for Inborn genetic diseases. Last evaluated: 2025-08-23. Review status: criteria provided, single submitter. Criteria: Ambry Variant Classification Scheme 2023. Collection method: clinical testing. Allele origin: germline.

Women's Health and Genetics/Laboratory Corporation of America, LabCorp
Classification: Uncertain significance. Last evaluated: 2025-05-09. Review status: criteria provided, single submitter. Criteria: LabCorp Variant Classification Summary - May 2015. Collection method: clinical testing. Allele origin: germline.
Comment: Variant summary: NFKB2 c.1643G>C (p.Arg548Pro) results in a non-conservative amino acid change in the encoded protein sequence. Algorithms developed to predict the effect of missense changes on protein structure and function are either unavailable or do not agree on the potential impact of this missense change. The variant allele was found at a frequency of 1.2e-05 in 249070 control chromosomes. The available data on variant occurrences in the general population are insufficient to allow any conclusion about variant significance. To our knowledge, no occurrence of c.1643G>C in individuals affected with Common Variable Immunodeficiency and no experimental evidence demonstrating its impact on protein function have been reported. ClinVar contains an entry for this variant (Variation ID: 2158075). Based on the evidence outlined above, the variant was classified as uncertain significance.

Labcorp Genetics (formerly Invitae), Labcorp
Classification: Uncertain significance for Immunodeficiency, common variable, 10. Last evaluated: 2024-10-26. Review status: criteria provided, single submitter. Criteria: Invitae Variant Classification Sherloc (09022015). Collection method: clinical testing. Allele origin: germline.
Comment: This sequence change replaces arginine, which is basic and polar, with proline, which is neutral and non-polar, at codon 548 of the NFKB2 protein (p.Arg548Pro). This variant is present in population databases (rs201353619, gnomAD 0.004%). This variant has not been reported in the literature in individuals affected with NFKB2-related conditions. ClinVar contains an entry for this variant (Variation ID: 2158075). An algorithm developed to predict the effect of missense changes on protein structure and function (PolyPhen-2) suggests that this variant is likely to be tolerated. In summary, the available evidence is currently insufficient to determine the role of this variant in disease. Therefore, it has been classified as a Variant of Uncertain Significance.

NM_001322934.2(NFKB2):c.1643G>C (p.Arg548Pro)

Gene: NFKB2 (nuclear factor kappa B subunit 2; plus strand). Cytogenetic location: 10q24.32.
Variant type: single nucleotide variant.
Coding change: c.1643G>C on transcript NM_001322934.2 (MANE Select); coding-DNA position 1643, G replaced by C.
Protein change: p.Arg548Pro; replaces arginine 548 with proline.
Molecular consequence: missense variant.
Genome position (GRCh38, 1-based): chr10:102,400,336, G>C. VCF-style: chr10-102400336-G-C. GRCh37 (hg19) VCF-style: chr10-104160093-G-C.
Other names: c.1643G>C, p.Arg548Pro (NM_001077493.1, NM_001077494.3, NM_001261403.3 and 2 more transcripts); c.1517G>C, p.Arg506Pro (NM_001322935.1); c.1643G>C (NM_001077494.1); short protein forms R548P, R506P.
Identifiers: ClinVar variation 2158075 (VCV002158075.6), dbSNP rs201353619, ClinGen allele CA5664871.
Genomic context (GRCh38, chr10:102,400,336, plus strand): 5'-AGACGCCCCTGCACCTGGCGGTGATCACGGGGCAGACGAGTGTGGTGAGCTTTCTGCTGC[G>C]GGTAGGTGCAGACCCAGCTCTGCTGGATCGGCATGGAGACTCAGCCATGCATCTGGCGCT-3'
Protein context (NP_001309863.1, residues 538-558): GQTSVVSFLL[Arg548Pro]VGADPALLDR